The following is an entry in ClinVar:

NM_000059.4(BRCA2):c.5952A>C (p.Lys1984Asn)

Gene: BRCA2 (BRCA2 DNA repair associated; plus strand). Cytogenetic location: 13q13.1.
Variant type: single nucleotide variant.
Coding change: c.5952A>C on transcript NM_000059.4 (MANE Select); coding-DNA position 5952, A replaced by C.
Protein change: p.Lys1984Asn; replaces lysine 1984 with asparagine.
Molecular consequence: missense variant. On other transcripts: non-coding transcript variant (1), intron variant (2).
Genome position (GRCh38, 1-based): chr13:32,340,307, A>C. VCF-style: chr13-32340307-A-C. GRCh37 (hg19) VCF-style: chr13-32914444-A-C.
Other names: c.5952A>C, p.Lys1984Asn (NM_001406719.1, NM_001406720.1, NM_001432077.1); c.1910-4251A>C (NM_001406721.1); c.425-4251A>C (NM_001406722.1); short protein forms K1984N.
Identifiers: ClinVar variation 4856476 (VCV004856476.1).

ClinVar aggregate classification (germline): Benign (1 of 4 stars; one submission).

Conditions:
Breast-ovarian cancer, familial, susceptibility to, 2 (BROVCA2). Also called: BRCA2 Hereditary Breast and Ovarian Cancer. Identifiers: Orphanet 145, MedGen C2675520, MONDO:0012933, OMIM 612555. Disease mechanism: loss of function.

Submission:

Cancer Bioinformatics and Tumour Evolution Laboratory, Monash University
Classification: Benign for Breast-ovarian cancer, familial, susceptibility to, 2. Last evaluated: 2026-05-01. Review status: criteria provided, single submitter. Criteria: ClinGen BRCA1 and BRCA2 Guidelines, 2024. Collection method: curation. Allele origin: germline. Inheritance: Autosomal dominant inheritance.
Comment: Missense variant outside of a functional domain with no splice impact. BRCA1 and BRCA2 VCEP guidelines recommend application of BP1_Strong (PMID: 39142283) PMID: 35190686 - Saturation Prime Editing in HEK293T cells for exons 7 and 10 to evaluate HDR capacity. Variant classified as functional. All other missenses in this position were also classified as functional.

Literature cited by the submitters: PubMed 35190686.